The following is an entry in ClinVar:

NM_019120.5(PCDHB8):c.256T>C (p.Leu86=)

Genes: PCDHB8 (protocadherin beta 8; plus strand), PCDHB@ (protocadherin beta cluster; plus strand). Cytogenetic location: 5q31.3.
Variant type: single nucleotide variant.
Coding change: c.256T>C on transcript NM_019120.5 (MANE Select); coding-DNA position 256, T replaced by C.
Protein change: p.Leu86=; no amino-acid change (leucine 86 retained).
Molecular consequence: synonymous variant.
Genome position (GRCh38, 1-based): chr5:141,178,290, T>C. VCF-style: chr5-141178290-T-C. GRCh37 (hg19) VCF-style: chr5-140557871-T-C.
Identifiers: ClinVar variation 2655814 (VCV002655814.24), dbSNP rs782662980, ClinGen allele CA3459243.
Genomic context (GRCh38, chr5:141,178,290, plus strand): 5'-AGGGTTGTTTCCAGAGGGAACAAACTACATTTGCAGCTCAATCAGGAGACCGCGGATTTG[T>C]TGCTAAATGAGAAATTGGACCGTGAGGATCTGTGCGGTCACACAGAGCCCTGTGTGCTAC-3'
Protein context (NP_061993.3, residues 76-96): LQLNQETADL[Leu86=]LNEKLDREDL

ClinVar aggregate classification (germline): Likely benign (1 of 4 stars; one submission).

Allele frequency attached by ClinVar (database versions not stated): gnomAD 0.00011; ExAC 0.00046.

Submission:

CeGaT Center for Human Genetics Tuebingen
Classification: Likely benign. Last evaluated: 2023-03-01. Review status: criteria provided, single submitter. Criteria: CeGaT Center For Human Genetics Tuebingen Variant Classification Criteria Version 2. Collection method: clinical testing. Allele origin: germline. Affected: yes. Observed: 1 variant allele.
Comment: PCDHB8: BP4, BP7